The following is an entry in ClinVar:

ClinVar aggregate classification (germline): Uncertain significance (1 of 4 stars; one submission).

Allele frequency attached by ClinVar (database versions not stated): gnomAD exomes below 0.00001; gnomAD 0.00001; TOPMed below 0.00001; ExAC 0.00001.

Submission:

Labcorp Genetics (formerly Invitae), Labcorp
Classification: Uncertain significance. Last evaluated: 2024-12-16. Review status: criteria provided, single submitter. Criteria: Invitae Variant Classification Sherloc (09022015). Collection method: clinical testing. Allele origin: germline.
Comment: This sequence change replaces glycine, which is neutral and non-polar, with arginine, which is basic and polar, at codon 174 of the ZNF513 protein (p.Gly174Arg). This variant is present in population databases (rs755393521, gnomAD 0.0009%). This variant has not been reported in the literature in individuals affected with ZNF513-related conditions. ClinVar contains an entry for this variant (Variation ID: 1911759). An algorithm developed to predict the effect of missense changes on protein structure and function (PolyPhen-2) suggests that this variant is likely to be disruptive. In summary, the available evidence is currently insufficient to determine the role of this variant in disease. Therefore, it has been classified as a Variant of Uncertain Significance.

NM_144631.6(ZNF513):c.520G>A (p.Gly174Arg)

Gene: ZNF513 (zinc finger protein 513; minus strand). Cytogenetic location: 2p23.3.
Variant type: single nucleotide variant.
Coding change: c.520G>A on transcript NM_144631.6 (MANE Select); coding-DNA position 520, G replaced by A.
Protein change: p.Gly174Arg; replaces glycine 174 with arginine.
Molecular consequence: missense variant.
Genome position (GRCh38, 1-based): chr2:27,378,746, C>T on the plus strand (G>A on the coding strand, the complement: ZNF513 is on the minus strand). VCF-style: chr2-27378746-C-T. GRCh37 (hg19) VCF-style: chr2-27601613-C-T.
Other names: c.334G>A, p.Gly112Arg (NM_001201459.2); short protein forms G174R, G112R.
Identifiers: ClinVar variation 1911759 (VCV001911759.5), dbSNP rs755393521, ClinGen allele CA1578039.
Genomic context (GRCh38, chr2:27,378,746, plus strand): 5'-TCAGGTTGACGAGCTGGGCTGAGGCGTAGGGGCAGCGGCCACAGCGGAACGGCTTCTCTC[C>T]GCTGTGTGTCTGCATGTGCCGCTTCAGGTGGCTCGAGTAGTGGGACACGAAGGTGCAGAG-3'
Protein context (NP_653232.3, residues 164-184): HLKRHMQTHS[Gly174Arg]EKPFRCGRCP